The following is an entry in ClinVar:

ClinVar aggregate classification (germline): Uncertain significance (1 of 4 stars; one submission).

gnomAD v4.1: 5 of 1,576,524 alleles (0.00032%); highest among the groups gnomAD compares: East Asian, 0.0067%; no homozygotes.

Submission:

GeneDx
Classification: Uncertain significance. Last evaluated: 2024-10-31. Review status: criteria provided, single submitter. Criteria: GeneDx Variant Classification Process June 2021. Collection method: clinical testing. Allele origin: germline. Affected: yes.
Comment: Not observed at significant frequency in large population cohorts (gnomAD); In silico analysis indicates that this missense variant does not alter protein structure/function; Has not been previously published as pathogenic or benign to our knowledge

NM_020778.5(ALPK3):c.2830G>C (p.Gly944Arg)

Gene: ALPK3 (alpha kinase 3; plus strand). Cytogenetic location: 15q25.3.
Variant type: single nucleotide variant.
Coding change: c.2830G>C on transcript NM_020778.5 (MANE Select); coding-DNA position 2830, G replaced by C.
Protein change: p.Gly944Arg; replaces glycine 944 with arginine.
Molecular consequence: missense variant.
Genome position (GRCh38, 1-based): chr15:84,857,568, G>C. VCF-style: chr15-84857568-G-C. GRCh37 (hg19) VCF-style: chr15-85400799-G-C.
Other names: short protein forms G944R.
Identifiers: ClinVar variation 3897435 (VCV003897435.1).
Genomic context (GRCh38, chr15:84,857,568, plus strand): 5'-CCACCAGAAACCATGGCCACCAGCAGTGAGGGGGCCTGCGCCCAGGTACCAGATGTGGAG[G>C]GGCGGACCCCAGGTCCCCGGAGCTGTGACCCTGGCCTCATAGATTCCCTGAAGAACTACC-3'
Protein context (NP_065829.4, residues 934-954): GACAQVPDVE[Gly944Arg]RTPGPRSCDP